The following is an entry in ClinVar:

ClinVar aggregate classification (germline): Uncertain significance. Review status: criteria provided, multiple submitters, no conflicts (2 of 4 stars). 2 submissions from 2 submitters: Uncertain significance (2). Last evaluated 2025-08-07.

Conditions:
IVNS1ABP-related disorder. Also called: IVNS1ABP-related condition.

gnomAD v4.1: 48 of 1,613,432 alleles (0.003%); highest among the groups gnomAD compares: Non-Finnish European, 0.0035%; no homozygotes.

Submissions (2):

Ambry Genetics
Classification: Uncertain significance. Last evaluated: 2025-08-07. Review status: criteria provided, single submitter. Criteria: Ambry Variant Classification Scheme 2023. Collection method: clinical testing. Allele origin: germline.

PreventionGenetics, part of Exact Sciences
Classification: Uncertain significance for IVNS1ABP-related condition. Last evaluated: 2024-12-21. Review status: criteria provided, single submitter. Criteria: ACMG Guidelines, 2015. Collection method: clinical testing. Allele origin: germline.
Comment: The IVNS1ABP c.1745C>T variant is predicted to result in the amino acid substitution p.Thr582Ile. To our knowledge, this variant has not been reported in the literature. This variant is reported in 0.0070% of alleles in individuals of European (Non-Finnish) descent in gnomAD. At this time, the clinical significance of this variant is uncertain due to the absence of conclusive functional and genetic evidence.

NM_006469.5(IVNS1ABP):c.1745C>T (p.Thr582Ile)

Gene: IVNS1ABP (influenza virus NS1A binding protein; minus strand). Cytogenetic location: 1q25.3.
Variant type: single nucleotide variant.
Coding change: c.1745C>T on transcript NM_006469.5 (MANE Select); coding-DNA position 1745, C replaced by T.
Protein change: p.Thr582Ile; replaces threonine 582 with isoleucine.
Molecular consequence: missense variant.
Genome position (GRCh38, 1-based): chr1:185,298,219, G>A on the plus strand (C>T on the coding strand, the complement: IVNS1ABP is on the minus strand). VCF-style: chr1-185298219-G-A. GRCh37 (hg19) VCF-style: chr1-185267351-G-A.
Other names: short protein forms T582I.
Identifiers: ClinVar variation 4089042 (VCV004089042.2).